The following is an entry in ClinVar:

NM_001244008.2(KIF1A):c.646C>T (p.Arg216Cys)

Gene: KIF1A (kinesin family member 1A; minus strand). Cytogenetic location: 2q37.3.
Variant type: single nucleotide variant.
Coding change: c.646C>T on transcript NM_001244008.2 (MANE Select); coding-DNA position 646, C replaced by T.
Protein change: p.Arg216Cys; replaces arginine 216 with cysteine.
Molecular consequence: missense variant.
Genome position (GRCh38, 1-based): chr2:240,785,063, G>A on the plus strand (C>T on the coding strand, the complement: KIF1A is on the minus strand). VCF-style: chr2-240785063-G-A. GRCh37 (hg19) VCF-style: chr2-241724480-G-A.
Other names: c.646C>T, p.Arg216Cys (NM_001379636.1, NM_001379637.1, NM_001379638.1 and 20 more transcripts); c.646C>T (NM_004321.5); short protein forms R216C.
Identifiers: ClinVar variation 208160 (VCV000208160.29), dbSNP rs797045164, ClinGen allele CA204974.

ClinVar aggregate classification (germline): Pathogenic/Likely pathogenic. Review status: criteria provided, multiple submitters, no conflicts (2 of 4 stars). 14 submissions from 14 submitters: Pathogenic (12); Likely pathogenic (1). 1 of the submissions does not count toward it. Last evaluated 2026-11-07.

Conditions:
Inborn genetic diseases. Identifiers: MedGen C0950123, MeSH D030342.
PEHO syndrome (PEHO). Also called: PROGRESSIVE ENCEPHALOPATHY WITH EDEMA, HYPSARRHYTHMIA, AND OPTIC ATROPHY. Identifiers: Orphanet 2836, Orphanet 99807, MedGen C1850055, MONDO:0009841, OMIM 260565.
Spastic paraplegia 30A, autosomal dominant. Identifiers: MedGen CN380650, MONDO:0700307, OMIM 610357.
KIF1A-related disorder. Also called: KIF1A-related disorders; KIF1A-related condition.
Hereditary spastic paraplegia 30. Identifiers: Orphanet 101010, MedGen C5235139, MONDO:0012476.
Neuropathy, hereditary sensory, type 2C. Also called: KIF1A-Related HSAN2 (HSAN2C); Hereditary sensory and autonomic neuropathy type IIC. Identifiers: Orphanet 970, MedGen C3280168, MONDO:0013634, OMIM 614213.
Intellectual disability, autosomal dominant 9 (NESCAVS). Also called: NESCAV SYNDROME; KIF1A-Related Neurodevelopmental Disorder. Identifiers: Orphanet 662367, MedGen C5393830, MONDO:0013656, OMIM 614255.
Syndromic intellectual disability. Also called: Intellectual disability syndrome. Identifiers: Orphanet 183763, MedGen C5680525, MONDO:0000508.

Submissions 1 to 8 of 14:

Genetic Foundation of Khorasan Razavi (GFKR)
Classification: Pathogenic for Spastic paraplegia 30A, autosomal dominant. Last evaluated: 2026-11-07. Review status: criteria provided, single submitter. Criteria: ACMG Guidelines, 2015. Collection method: clinical testing. Allele origin: de novo. Inheritance: Autosomal dominant inheritance. Affected: yes. Observed: 1 variant allele, 1 heterozygote.
Comment: PS3 (Strong): Published functional studies demonstrated that the p.Arg216Cys variant abolishes KIF1A motor activity in an in vitro microtubule gliding assay (PMID: 26125038). PS2 (Strong, conditional): The variant occurred de novo in an affected individual with genetically confirmed maternity and paternity, provided that the phenotype supports this evidence strength under ClinGen SVI recommendations. PM1 (Moderate, conditional): The variant is located in the conserved kinesin motor domain of KIF1A, which is enriched for disease-associated missense variants. PM2_Supporting: The variant is absent from gnomAD population databases. PM5 (Moderate, conditional): Other pathogenic missense substitutions affecting the same amino acid residue (Arg216) have been reported in affected individuals. PP3 (Supporting): Multiple computational prediction tools support a deleterious effect on protein function.

Women's Health and Genetics/Laboratory Corporation of America, LabCorp
Classification: Pathogenic for Intellectual disability, autosomal dominant 9. Last evaluated: 2025-12-12. Review status: criteria provided, single submitter. Criteria: LabCorp Variant Classification Summary - May 2015. Collection method: clinical testing. Allele origin: germline.
Comment: Variant summary: KIF1A c.646C>T (p.Arg216Cys) results in a non-conservative amino acid change in the encoded protein sequence. Algorithms developed to predict the effect of missense changes on protein structure and function all suggest that this variant is likely to be disruptive. The variant was absent in 249928 control chromosomes. c.646C>T has been observed arising de novo in at-least two individuals affected with features of Intellectual disability, autosomal dominant 9 (example, Nieh_2015, Zhai_2021). These data indicate that the variant may be associated with disease. At least one publication reports experimental evidence evaluating an impact on protein function. The most pronounced variant effect results in abolished gliding ability in BL21 cells (Nieh_2015). A different variant at the Arg216 residue has been reported as pathogenic/likely pathogenic (p.Arg216His), suggesting that this codon is functionally important. The following publications have been ascertained in the context of this evaluation (PMID: 26125038, 34015165). ClinVar contains an entry for this variant (Variation ID: 208160). Based on the evidence outlined above, the variant was classified as pathogenic.

GeneDx
Classification: Pathogenic. Last evaluated: 2023-05-17. Review status: criteria provided, single submitter. Criteria: GeneDx Variant Classification Process June 2021. Collection method: clinical testing. Allele origin: germline. Affected: yes.
Comment: Published functional studies demonstrate a damaging effect on kinesin motility (Esmaeeli Nieh et al., 2015); Not observed at significant frequency in large population cohorts (gnomAD); In silico analysis, which includes protein predictors and evolutionary conservation, supports a deleterious effect; This variant is associated with the following publications: (PMID: 26125038, 32737135, 31785789, 31805580, 34015165, 25533962, 28191890, 31616253, 32935419, 33880452, 21820098, 21376300)

Ambry Genetics
Classification: Pathogenic for Inborn genetic diseases. Last evaluated: 2022-02-16. Review status: criteria provided, single submitter. Criteria: Ambry Variant Classification Scheme 2023. Collection method: clinical testing. Allele origin: germline.
Comment: The c.646C>T (p.R216C) alteration is located in exon 7 (coding exon 6) of the KIF1A gene. This alteration results from a C to T substitution at nucleotide position 646, causing the arginine (R) at amino acid position 216 to be replaced by a cysteine (C). This variant was not reported in population-based cohorts in the Genome Aggregation Database (gnomAD). This alteration has been reported de novo in multiple unrelated patients with features consistent with KIF1A-related neurodevelopmental disorder (Deciphering Developmental Disorders, 2015; Esmaeeli Nieh, 2015; Van Beusichem, 2020; Boyle, 2021). In addition, two missense alterations affecting the same amino acid, p.R216H and p.R216P, were reported in similarly affected patients (Esmaeeli Nieh, 2015; Lee, 2015; Boyle, 2021). This amino acid position is highly conserved in available vertebrate species. This missense alteration is located in a region that has a low rate of benign missense variation (Lek, 2016; Firth, 2009). This alteration is located within the kinesin motor domain and there are multiple nearby variants that are reported to be disease causing. In vitro microtubule gliding assays showed that the p.R216C variant abolishes KIF1A motility (Esmaeeli Nieh, 2015). This alteration is predicted to be deleterious by in silico analysis. Based on the available evidence, this alteration is classified as pathogenic.

Provincial Medical Genetics Program of British Columbia, University of British Columbia
Classification: Pathogenic for Spastic paraplegia 30A, autosomal dominant. Last evaluated: 2022-01-01. Review status: criteria provided, single submitter. Criteria: ACMG Guidelines, 2015. Collection method: clinical testing. Allele origin: germline. Affected: yes.

Labcorp Genetics (formerly Invitae), Labcorp
Classification: Pathogenic for Hereditary spastic paraplegia 30; Neuropathy, hereditary sensory, type 2C; Intellectual disability, autosomal dominant 9. Last evaluated: 2021-12-02. Review status: criteria provided, single submitter. Criteria: Invitae Variant Classification Sherloc (09022015). Collection method: clinical testing. Allele origin: germline.
Comment: Experimental studies have shown that this missense change affects KIF1A function (PMID: 26125038). For these reasons, this variant has been classified as Pathogenic. This variant disrupts the p.Arg216 amino acid residue in KIF1A. Other variant(s) that disrupt this residue have been determined to be pathogenic (PMID: 26125038). This suggests that this residue is clinically significant, and that variants that disrupt this residue are likely to be disease-causing. Advanced modeling of protein sequence and biophysical properties (such as structural, functional, and spatial information, amino acid conservation, physicochemical variation, residue mobility, and thermodynamic stability) performed at Invitae indicates that this missense variant is expected to disrupt KIF1A protein function. ClinVar contains an entry for this variant (Variation ID: 208160). This missense change has been observed in individual(s) with progressive encephalopathy and brain atrophy leading to autosomal dominant complicated hereditary spastic paraplegia (PMID: 26125038). In at least one individual the variant was observed to be de novo. This variant is not present in population databases (gnomAD no frequency). This sequence change replaces arginine, which is basic and polar, with cysteine, which is neutral and slightly polar, at codon 216 of the KIF1A protein (p.Arg216Cys).

Illumina Laboratory Services, Illumina
Classification: Pathogenic for Syndromic intellectual disability. Last evaluated: 2021-05-20. Review status: criteria provided, single submitter. Criteria: ICSLVariantClassificationCriteria RUGD 01 April 2020. Collection method: clinical testing. Allele origin: unknown.
Comment: The KIF1A c.646C>T (p.Arg216Cys) variant is a missense variant that is located in the conserved kinesin motor domain of KIF1A. Additionally, two other amino acid substitutions at the same residue, c.647G>C (p.Arg216Phe) (Lee et al. 2015) and c.647G>A (p.Arg216His) (Esmaeeli Nieh et al. 2015), have been reported to arise de novo in individuals with global developmental delay, paraparesis, cerebellar signs, and other features. The p.Arg216Cys variant is not reported in the Genome Aggregation Database (version 2.1.1 and version 3.1.1) despite its location in a region of good sequence coverage, which suggests the variant is rare. Functional studies demonstrated impaired KIF1A motility in vitro (Esmaeeli Nieh et al. 2015). Based on the collective evidence, the p.Arg216Cys variant is classified as pathogenic for syndromic intellectual disability.

Genetics and Prenatal Diagnosis Center, The First Affiliated Hospital of Zhengzhou University
Classification: Pathogenic for Intellectual disability, autosomal dominant 9. Last evaluated: 2021-05-13. Review status: criteria provided, single submitter. Criteria: ACMG Guidelines, 2015. Collection method: clinical testing. Allele origin: de novo. Affected: yes.